The following is an entry in ClinVar:

NM_032608.7(MYO18B):c.4691_4692del (p.Ala1563_Tyr1564insTer)

Genes: MYO18B (myosin XVIIIB; plus strand), MYO18B-AS1 (MYO18B antisense RNA 1; minus strand). Cytogenetic location: 22q12.1.
Variant type: Deletion.
Coding change: c.4691_4692del on transcript NM_032608.7 (MANE Select); coding-DNA positions 4691 to 4692, 2 bases deleted (AT; older notation c.4691_4692delAT).
Protein change: p.Ala1563_Tyr1564insTer.
Molecular consequence: nonsense.
Genome position (GRCh38, 1-based): chr22:25,898,329-25,898,330, AT deleted; deleting any 2 consecutive bases within chr22:25,898,328-25,898,330 gives the same sequence; the c. name uses the placement nearest the transcript's 3' end. VCF-style (leftmost placement, unchanged base first): chr22-25898327-TTA-T. GRCh37 (hg19) VCF-style: chr22-26294294-TTA-T.
Other names: c.4694_4695del, p.Ala1564_Tyr1565insTer (NM_001318245.2).
Identifiers: ClinVar variation 4713372 (VCV004713372.1).
Genomic context (GRCh38, chr22:25,898,327, plus strand): 5'-TGCCCACAGAGCCGGGTAATTCATTCTATTACTCTTACAGCTTGGGGAGTTGCAAAGTGC[TTA>T]TGACGGGGCCAAGAAGATGGCTCACCAACTGAAGAGGAAGTGCCACCATCTTACCTGTGA-3'

ClinVar aggregate classification (germline): Pathogenic (1 of 4 stars; one submission).

Submission:

Labcorp Genetics (formerly Invitae), Labcorp
Classification: Pathogenic. Last evaluated: 2025-02-18. Review status: criteria provided, single submitter. Criteria: Invitae Variant Classification Sherloc (09022015). Collection method: clinical testing. Allele origin: germline.
Comment: This sequence change creates a premature translational stop signal (p.Tyr1564*) in the MYO18B gene. It is expected to result in an absent or disrupted protein product. Loss-of-function variants in MYO18B are known to be pathogenic (PMID: 25748484, 32184166, 32637634). This variant is not present in population databases (gnomAD no frequency). This variant has not been reported in the literature in individuals affected with MYO18B-related conditions. For these reasons, this variant has been classified as Pathogenic.

Literature cited by the submitters: PubMed 25748484; PubMed 32184166; PubMed 32637634.